The following is an entry in ClinVar:

NM_001077350.3(NPRL3):c.442C>T (p.Arg148Cys)

Genes: HBA-LCR (alpha-globin locus control region; plus strand), NPRL3 (NPR3 like, GATOR1 complex subunit; minus strand). Cytogenetic location: 16p13.3.
Variant type: single nucleotide variant.
Coding change: c.442C>T on transcript NM_001077350.3 (MANE Select); coding-DNA position 442, C replaced by T.
Protein change: p.Arg148Cys; replaces arginine 148 with cysteine.
Molecular consequence: missense variant. On other transcripts: 5 prime UTR variant (1).
Genome position (GRCh38, 1-based): chr16:112,727, G>A on the plus strand (C>T on the coding strand, the complement: NPRL3 is on the minus strand). VCF-style: chr16-112727-G-A. GRCh37 (hg19) VCF-style: chr16-162726-G-A.
Other names: p.Arg148Cys; c.-96C>T (NM_001039476.3); c.208C>T, p.Arg70Cys (NM_001243247.2); c.367C>T, p.Arg123Cys (NM_001243248.2, NM_001243249.2); short protein forms R123C, R70C, R148C.
Identifiers: ClinVar variation 835740 (VCV000835740.44), dbSNP rs201069648, ClinGen allele CA7769661.

ClinVar aggregate classification (germline): Conflicting classifications of pathogenicity. Review status: criteria provided, conflicting classifications (1 of 4 stars). 7 submissions from 7 submitters: Uncertain significance (2); Likely benign (5). Last evaluated 2025-12-26.

Conditions:
Epilepsy, familial focal, with variable foci 3 (FFEVF3). Identifiers: MedGen C4310708, MONDO:0014925, OMIM 617118.
Inborn genetic diseases. Identifiers: MedGen C0950123, MeSH D030342.

Allele frequency attached by ClinVar (database versions not stated): 1000 Genomes Project 30x 0.00016; 1000 Genomes Project 0.00020; gnomAD exomes 0.00027 and 0.00039; gnomAD 0.00028 and 0.00029; TOPMed 0.00029; ExAC 0.00031; ESP Exome Variant Server 0.00077.
gnomAD v4.1: 596 of 1,612,270 alleles (0.037%); highest among the groups gnomAD compares: Non-Finnish European, 0.047%; no homozygotes.

Submissions (7):

Women's Health and Genetics/Laboratory Corporation of America, LabCorp
Classification: Likely benign. Last evaluated: 2025-12-26. Review status: criteria provided, single submitter. Criteria: LabCorp Variant Classification Summary - May 2015. Collection method: clinical testing. Allele origin: germline.
Comment: Variant summary: NPRL3 c.442C>T (p.Arg148Cys) results in a non-conservative amino acid change in the encoded protein sequence. Algorithms developed to predict the effect of missense changes on protein structure and function are either unavailable or do not agree on the potential impact of this missense change. The variant allele was found at a frequency of 0.00027 in 246544 control chromosomes, predominantly at a frequency of 0.0005 within the Non-Finnish European subpopulation in the gnomAD database. This frequency is not significantly higher than estimated for disease-causing variants in NPRL3, allowing no conclusion about variant significance. To our knowledge, no occurrence of c.442C>T in individuals affected with NPRL3-related conditions and no experimental evidence demonstrating its impact on protein function have been reported. ClinVar contains an entry for this variant (Variation ID: 835740). Based on the evidence outlined above, the variant was classified as likely benign.

Labcorp Genetics (formerly Invitae), Labcorp
Classification: Likely benign for Epilepsy, familial focal, with variable foci 3. Last evaluated: 2025-12-21. Review status: criteria provided, single submitter. Criteria: Invitae Variant Classification Sherloc (09022015). Collection method: clinical testing. Allele origin: germline.

CeGaT Center for Human Genetics Tuebingen
Classification: Likely benign. Last evaluated: 2025-07-01. Review status: criteria provided, single submitter. Criteria: CeGaT Center For Human Genetics Tuebingen Variant Classification Criteria Version 2. Collection method: clinical testing. Allele origin: germline. Affected: yes. Observed: 3 variant alleles.
Comment: NPRL3: BP5

Revvity Omics, Revvity
Classification: Uncertain significance for Epilepsy, familial focal, with variable foci 3. Last evaluated: 2025-02-04. Review status: criteria provided, single submitter. Criteria: ACMG Guidelines, 2015. Collection method: clinical testing. Allele origin: germline.

Ambry Genetics
Classification: Likely benign for Inborn genetic diseases. Last evaluated: 2023-06-28. Review status: criteria provided, single submitter. Criteria: Ambry Variant Classification Scheme 2023. Collection method: clinical testing. Allele origin: germline.

Mayo Clinic Laboratories, Mayo Clinic
Classification: Uncertain significance. Last evaluated: 2023-05-10. Review status: criteria provided, single submitter. Criteria: ACMG Guidelines, 2015. Collection method: clinical testing. Allele origin: germline. Observed: 1 variant allele.
Comment: BS2

GeneDx
Classification: Likely benign. Last evaluated: 2021-01-26. Review status: criteria provided, single submitter. Criteria: GeneDx Variant Classification Process June 2021. Collection method: clinical testing. Allele origin: germline. Affected: yes.